The following is an entry in ClinVar:

ClinVar aggregate classification (germline): Uncertain significance (1 of 4 stars; one submission).

gnomAD v4.1: 1 of 1,614,202 alleles (0.000062%); highest among the groups gnomAD compares: Admixed American, 0.0017%; no homozygotes.

Submission:

Labcorp Genetics (formerly Invitae), Labcorp
Classification: Uncertain significance. Last evaluated: 2021-11-22. Review status: criteria provided, single submitter. Criteria: Invitae Variant Classification Sherloc (09022015). Collection method: clinical testing. Allele origin: germline.
Comment: In summary, the available evidence is currently insufficient to determine the role of this variant in disease. Therefore, it has been classified as a Variant of Uncertain Significance. Algorithms developed to predict the effect of missense changes on protein structure and function (SIFT, PolyPhen-2, Align-GVGD) all suggest that this variant is likely to be tolerated. This variant has not been reported in the literature in individuals affected with DMP1-related conditions. This variant is not present in population databases (gnomAD no frequency). This sequence change replaces valine, which is neutral and non-polar, with isoleucine, which is neutral and non-polar, at codon 375 of the DMP1 protein (p.Val375Ile).

NM_004407.4(DMP1):c.1123G>A (p.Val375Ile)

Genes: DMP1 (dentin matrix acidic phosphoprotein 1; plus strand), DMP1-AS1 (DMP1 and DSPP antisense RNA 1; minus strand). Cytogenetic location: 4q22.1.
Variant type: single nucleotide variant.
Coding change: c.1123G>A on transcript NM_004407.4 (MANE Select); coding-DNA position 1123, G replaced by A.
Protein change: p.Val375Ile; replaces valine 375 with isoleucine.
Molecular consequence: missense variant.
Genome position (GRCh38, 1-based): chr4:87,662,901, G>A. VCF-style: chr4-87662901-G-A. GRCh37 (hg19) VCF-style: chr4-88584053-G-A.
Other names: c.1075G>A, p.Val359Ile (NM_001079911.3); short protein forms V359I, V375I.
Identifiers: ClinVar variation 1359022 (VCV001359022.6), dbSNP rs2110017319, ClinGen allele CA357700600.